The following is an entry in ClinVar:

ClinVar aggregate classification (germline): Uncertain significance (1 of 4 stars; one submission).

Allele frequency attached by ClinVar (database versions not stated): gnomAD exomes 0.00003 and 0.00006; gnomAD 0.00004; TOPMed 0.00004; ExAC 0.00005; ESP Exome Variant Server 0.00008; 1000 Genomes Project 30x 0.00016; 1000 Genomes Project 0.00020.

Submission:

Labcorp Genetics (formerly Invitae), Labcorp
Classification: Uncertain significance. Last evaluated: 2025-09-02. Review status: criteria provided, single submitter. Criteria: Invitae Variant Classification Sherloc (09022015). Collection method: clinical testing. Allele origin: germline.
Comment: This sequence change replaces valine, which is neutral and non-polar, with isoleucine, which is neutral and non-polar, at codon 80 of the CDHR1 protein (p.Val80Ile). This variant is present in population databases (rs45567134, gnomAD 0.006%). This variant has not been reported in the literature in individuals affected with CDHR1-related conditions. ClinVar contains an entry for this variant (Variation ID: 842984). Invitae Evidence Modeling of protein sequence and biophysical properties (such as structural, functional, and spatial information, amino acid conservation, physicochemical variation, residue mobility, and thermodynamic stability) indicates that this missense variant is not expected to disrupt CDHR1 protein function with a negative predictive value of 80%. In summary, the available evidence is currently insufficient to determine the role of this variant in disease. Therefore, it has been classified as a Variant of Uncertain Significance.

NM_033100.4(CDHR1):c.238G>A (p.Val80Ile)

Gene: CDHR1 (cadherin related family member 1; plus strand). Cytogenetic location: 10q23.1.
Variant type: single nucleotide variant.
Coding change: c.238G>A on transcript NM_033100.4 (MANE Select); coding-DNA position 238, G replaced by A.
Protein change: p.Val80Ile; replaces valine 80 with isoleucine.
Molecular consequence: missense variant.
Genome position (GRCh38, 1-based): chr10:84,196,591, G>A. VCF-style: chr10-84196591-G-A. GRCh37 (hg19) VCF-style: chr10-85956347-G-A.
Other names: c.238G>A, p.Val80Ile (NM_001171971.3); short protein forms V80I.
Identifiers: ClinVar variation 842984 (VCV000842984.8), dbSNP rs45567134, ClinGen allele CA5579468.